The following is an entry in ClinVar:

NM_015693.4(INTU):c.1529G>A (p.Arg510Gln)

Gene: INTU (inturned planar cell polarity protein; plus strand). Cytogenetic location: 4q28.1.
Variant type: single nucleotide variant.
Coding change: c.1529G>A on transcript NM_015693.4 (MANE Select); coding-DNA position 1529, G replaced by A.
Protein change: p.Arg510Gln; replaces arginine 510 with glutamine.
Molecular consequence: missense variant.
Genome position (GRCh38, 1-based): chr4:127,704,253, G>A. VCF-style: chr4-127704253-G-A. GRCh37 (hg19) VCF-style: chr4-128625408-G-A.
Other names: short protein forms R510Q.
Identifiers: ClinVar variation 4701578 (VCV004701578.2).

ClinVar aggregate classification (germline): Uncertain significance. Review status: criteria provided, multiple submitters, no conflicts (2 of 4 stars). 2 submissions from 2 submitters: Uncertain significance (2). Last evaluated 2025-03-13.

gnomAD v4.1: 18 of 1,609,776 alleles (0.0011%); highest among the groups gnomAD compares: Admixed American, 0.0033%; no homozygotes.

Submissions (2):

Labcorp Genetics (formerly Invitae), Labcorp
Classification: Uncertain significance. Last evaluated: 2025-03-13. Review status: criteria provided, single submitter. Criteria: Invitae Variant Classification Sherloc (09022015). Collection method: clinical testing. Allele origin: germline.
Comment: This sequence change replaces arginine, which is basic and polar, with glutamine, which is neutral and polar, at codon 510 of the INTU protein (p.Arg510Gln). This variant is present in population databases (rs528647466, gnomAD 0.004%). This variant has not been reported in the literature in individuals affected with INTU-related conditions. Invitae Evidence Modeling of protein sequence and biophysical properties (such as structural, functional, and spatial information, amino acid conservation, physicochemical variation, residue mobility, and thermodynamic stability) indicates that this missense variant is expected to disrupt INTU protein function with a positive predictive value of 80%. In summary, the available evidence is currently insufficient to determine the role of this variant in disease. Therefore, it has been classified as a Variant of Uncertain Significance.

Blueprint Genetics
Classification: Uncertain significance. Last evaluated: 2023-11-28. Review status: criteria provided, single submitter. Criteria: ACMG Guidelines, 2015. Collection method: clinical testing. Allele origin: germline.